The following is an entry in ClinVar:

NM_006031.6(PCNT):c.36G>A (p.Val12=)

Gene: PCNT (pericentrin; plus strand). Cytogenetic location: 21q22.3.
Variant type: single nucleotide variant.
Coding change: c.36G>A on transcript NM_006031.6 (MANE Select); coding-DNA position 36, G replaced by A.
Protein change: p.Val12=; no amino-acid change (valine 12 retained).
Molecular consequence: synonymous variant.
Genome position (GRCh38, 1-based): chr21:46,324,264, G>A. VCF-style: chr21-46324264-G-A. GRCh37 (hg19) VCF-style: chr21-47744178-G-A.
Other names: c.36G>A (NM_006031.5).
Identifiers: ClinVar variation 2713023 (VCV002713023.4), dbSNP rs1160427923, ClinGen allele CA512743567.

ClinVar aggregate classification (germline): Likely benign. Review status: criteria provided, single submitter (1 of 4 stars). 2 submissions from 2 submitters: Likely benign (1). 1 of the submissions does not count toward it. Last evaluated 2025-12-10.

Conditions:
PCNT-related disorder. Also called: PCNT-related condition.

Allele frequency attached by ClinVar (database versions not stated): TOPMed 0.00002; gnomAD 0.00003.
gnomAD v4.1: 6 of 1,611,706 alleles (0.00037%); highest among the groups gnomAD compares: African/African-American, 0.008%; no homozygotes.

Submissions (2):

Labcorp Genetics (formerly Invitae), Labcorp
Classification: Likely benign. Last evaluated: 2025-12-10. Review status: criteria provided, single submitter. Criteria: Invitae Variant Classification Sherloc (09022015). Collection method: clinical testing. Allele origin: germline.

PreventionGenetics, part of Exact Sciences
Classification: Likely benign for PCNT-related condition. Last evaluated: 2021-05-26. Review status: no assertion criteria provided. Collection method: clinical testing. Allele origin: germline. Not counted in ClinVar's aggregate classification.
Comment: This variant is classified as likely benign based on ACMG/AMP sequence variant interpretation guidelines (Richards et al. 2015 PMID: 25741868, with internal and published modifications).